The following is an entry in ClinVar:

ClinVar aggregate classification (germline): Pathogenic (1 of 4 stars; one submission).

Conditions:
Hereditary breast ovarian cancer syndrome. Also called: Breast and ovarian cancer; Hereditary breast and ovarian cancer; Hereditary breast and/or ovarian cancer syndrome; BRCA1- and BRCA2-Associated Hereditary Breast and Ovarian Cancer; Hereditary breast and ovarian cancer syndrome; Hereditary breast and ovarian cancer syndrome (HBOC). Identifiers: Orphanet 145, MedGen C0677776, MeSH D061325, MONDO:0003582. Disease mechanism: loss of function.

Submission:

Women's Health and Genetics/Laboratory Corporation of America, LabCorp
Classification: Pathogenic for Hereditary breast ovarian cancer syndrome. Last evaluated: 2026-03-19. Review status: criteria provided, single submitter. Criteria: LabCorp Variant Classification Summary - May 2015. Collection method: clinical testing. Allele origin: germline.
Comment: Variant summary: The variant involves the deletion of exons 1-7 in the CHEK2 gene. A presumed nomenclature of c.(?_-59)_(846+1_847-1)del has been designated for the purposes of this classification. The exact breakpoint at the 5' end of this variant is unknown, therefore this deletion may extend upstream of the annotated region of this gene. Although the exact breakpoints of this deletion are not known, it is predicted to remove the initiation codon and result in an absence of protein or a truncation of the encoded protein due to translation initiation at a downstream site. Loss-of-function variants in this gene are known to be pathogenic. The variant was absent in 21694 control chromosomes. To our knowledge, no occurrence of c.(?_-59)_(846+1_847-1)del in individuals affected with CHEK2-related conditions and no experimental evidence demonstrating its impact on protein function have been reported. ClinVar contains an entry for this variant (Variation ID: 1076756). Based on the evidence outlined above, the variant was classified as pathogenic.

NC_000022.10:g.(29099555_29105993)_(29137809_?)del

Gene: CHEK2 (checkpoint kinase 2; minus strand). Cytogenetic location: 22q12.1.
Variant type: Deletion.
Identifiers: ClinVar variation 4847066 (VCV004847066.1).